The following is an entry in ClinVar:

ClinVar aggregate classification (germline): Uncertain significance (1 of 4 stars; one submission).

Conditions:
TTN-related disorder. Also called: TTN-related disorders; TTN-related condition; TTN-related disease.

Submission:

PreventionGenetics, part of Exact Sciences
Classification: Uncertain significance for TTN-related condition. Last evaluated: 2025-03-24. Review status: criteria provided, single submitter. Criteria: ACMG Guidelines, 2015. Collection method: clinical testing. Allele origin: germline.
Comment: The TTN c.42038A>C variant is predicted to result in the amino acid substitution p.Lys14013Thr. To our knowledge, this variant has not been reported in the literature or in a large population database (gnomAD), indicating this variant is rare. At this time, the clinical significance of this variant is uncertain due to the absence of conclusive functional and genetic evidence.

NM_001267550.2(TTN):c.42038A>C (p.Lys14013Thr)

Gene: TTN (titin; minus strand). Cytogenetic location: 2q31.2.
Variant type: single nucleotide variant.
Coding change: c.42038A>C on transcript NM_001267550.2 (MANE Select); coding-DNA position 42038, A replaced by C.
Protein change: p.Lys14013Thr; replaces lysine 14013 with threonine.
Molecular consequence: missense variant.
Genome position (GRCh38, 1-based): chr2:178,634,836, T>G on the plus strand (A>C on the coding strand, the complement: TTN is on the minus strand). VCF-style: chr2-178634836-T-G. GRCh37 (hg19) VCF-style: chr2-179499563-T-G.
Other names: c.37115A>C, p.Lys12372Thr (NM_001256850.1); c.14843A>C, p.Lys4948Thr (NM_003319.4); c.34334A>C, p.Lys11445Thr (NM_133378.4); c.15218A>C, p.Lys5073Thr (NM_133432.3); c.15419A>C, p.Lys5140Thr (NM_133437.4); short protein forms K4948T, K11445T, K5140T, K12372T, K14013T, K5073T.
Identifiers: ClinVar variation 4986014 (VCV004986014.1).